The following is an entry in ClinVar:

ClinVar aggregate classification (germline): Uncertain significance (1 of 4 stars; one submission).

Conditions:
Hereditary cancer-predisposing syndrome. Also called: Neoplastic Syndromes, Hereditary; Tumor predisposition; Hereditary Cancer Syndrome; Hereditary neoplastic syndrome. Identifiers: Orphanet 140162, MedGen C0027672, MeSH D009386, MONDO:0015356.

Submission:

Ambry Genetics
Classification: Uncertain significance for Hereditary cancer-predisposing syndrome. Last evaluated: 2024-02-24. Review status: criteria provided, single submitter. Criteria: Ambry Variant Classification Scheme 2023. Collection method: clinical testing. Allele origin: germline.
Comment: The p.T687S variant (also known as c.2060C>G), located in coding exon 20 of the RB1 gene, results from a C to G substitution at nucleotide position 2060. The threonine at codon 687 is replaced by serine, an amino acid with similar properties. This amino acid position is highly conserved in available vertebrate species. In addition, the in silico prediction for this alteration is inconclusive. Since supporting evidence is limited at this time, the clinical significance of this alteration remains unclear.

NM_000321.3(RB1):c.2060C>G (p.Thr687Ser)

Gene: RB1 (RB transcriptional corepressor 1; plus strand). Cytogenetic location: 13q14.2.
Variant type: single nucleotide variant.
Coding change: c.2060C>G on transcript NM_000321.3 (MANE Select); coding-DNA position 2060, C replaced by G.
Protein change: p.Thr687Ser; replaces threonine 687 with serine.
Molecular consequence: missense variant.
Genome position (GRCh38, 1-based): chr13:48,459,787, C>G. VCF-style: chr13-48459787-C-G. GRCh37 (hg19) VCF-style: chr13-49033923-C-G.
Other names: c.2060C>G, p.Thr687Ser (NM_001407165.1); short protein forms T687S.
Identifiers: ClinVar variation 1785221 (VCV001785221.2), dbSNP rs2138336291, ClinGen allele CA388166872.